The following is an entry in ClinVar:

NM_000152.5(GAA):c.2481+16G>A

Gene: GAA (alpha glucosidase; plus strand). Cytogenetic location: 17q25.3.
Variant type: single nucleotide variant.
Coding change: c.2481+16G>A on transcript NM_000152.5 (MANE Select); 16 bases into the intron after coding-DNA position 2481, G replaced by A.
Molecular consequence: intron variant.
Genome position (GRCh38, 1-based): chr17:80,117,765, G>A. VCF-style: chr17-80117765-G-A. GRCh37 (hg19) VCF-style: chr17-78091564-G-A.
Other names: c.2481+16G>A (NM_001079803.3, NM_001079804.3, LRG_673t1).
Identifiers: ClinVar variation 92478 (VCV000092478.34), dbSNP rs41292408, ClinGen allele CA220399.

ClinVar aggregate classification (germline): Benign/Likely benign. Review status: criteria provided, multiple submitters, no conflicts (2 of 4 stars). 13 submissions from 13 submitters: Benign (2); Likely benign (5). 6 of the submissions do not count toward it. Last evaluated 2026-07-01.

Conditions:
Glycogen storage disease, type II (IOPD). Also called: POMPE DISEASE, INFANTILE-ONSET; GLYCOGEN STORAGE DISEASE II, INFANTILE-ONSET; ACID ALPHA-GLUCOSIDASE DEFICIENCY, INFANTILE-ONSET; GAA DEFICIENCY, INFANTILE-ONSET; ACID MALTASE DEFICIENCY, INFANTILE-ONSET; Glucosidase acid-1,4-alpha deficiency. Identifiers: Orphanet 365, MedGen C0017921, MONDO:0009290, OMIM 232300.
GAA-related disorder. Also called: GAA-related condition.

Allele frequency attached by ClinVar (database versions not stated): 1000 Genomes Project 0.00180; 1000 Genomes Project 30x 0.00203; gnomAD exomes 0.00229; gnomAD 0.00240 and 0.00252; ExAC 0.00248; ESP Exome Variant Server 0.00254; TOPMed 0.00268.
gnomAD v4.1: 6,223 of 1,599,456 alleles (0.39%); highest among the groups gnomAD compares: Non-Finnish European, 0.49%; 21 homozygotes.

Submissions (13):

Genomenon, Inc
Classification: Likely benign for Glycogen storage disease, type II. Last evaluated: 2026-07-01. Review status: criteria provided, single submitter. Criteria: Genomenon Sequence Variant Interpretation Standards - Updated. Collection method: curation. Allele origin: germline. Affected: no.
Comment: GAA c.2481+16G>A is an intronic variant located in intron 17. This variant has been reported in the published literature (PMID:31931849). This variant is not predicted to impact splicing. In conclusion, we classify GAA c.2481+16G>A as a likely benign variant.

Labcorp Genetics (formerly Invitae), Labcorp
Classification: Benign for Glycogen storage disease, type II. Last evaluated: 2026-02-02. Review status: criteria provided, single submitter. Criteria: Invitae Variant Classification Sherloc (09022015). Collection method: clinical testing. Allele origin: germline.

ARUP Laboratories, Molecular Genetics and Genomics, ARUP Laboratories
Classification: Benign for Glycogen storage disease, type II. Last evaluated: 2025-05-02. Review status: criteria provided, single submitter. Criteria: ARUP Molecular Germline Variant Investigation Process 2024. Collection method: clinical testing. Allele origin: germline.

Blueprint Genetics
Classification: Likely benign. Last evaluated: 2024-11-27. Review status: criteria provided, single submitter. Criteria: ACMG Guidelines, 2015. Collection method: clinical testing. Allele origin: germline.

Women's Health and Genetics/Laboratory Corporation of America, LabCorp
Classification: Likely benign. Last evaluated: 2021-07-01. Review status: criteria provided, single submitter. Criteria: LabCorp Variant Classification Summary - May 2015. Collection method: clinical testing. Allele origin: germline.
Comment: Variant summary: GAA c.2481+16G>A alters a non-conserved nucleotide located close to a canonical splice site and therefore could affect mRNA splicing, leading to a significantly altered protein sequence. 4/4 computational tools predict no significant impact on normal splicing. However, these predictions have yet to be confirmed by functional studies. The variant allele was found at a frequency of 0.0023 in 219566 control chromosomes, predominantly at a frequency of 0.0038 within the Non-Finnish European subpopulation in the gnomAD database, including 2 homozygotes. The frequency within the Non-Finnish European subpopulation is very close to the maximum frequency expected for a pathogenic variant in GAA causing Glycogen Storage Disease, Type 2 (Pompe Disease) (0.0038 vs 0.0042), suggesting a possible benign role for the variant. To our knowledge, no occurrence of c.2481+16G>A in individuals affected with Glycogen Storage Disease, Type 2 (Pompe Disease) and no experimental evidence demonstrating its impact on protein function have been reported. Five clinical diagnostic laboratories have submitted clinical-significance assessments for this variant to ClinVar after 2014 without evidence for independent evaluation, citing the variant as benign (n=1), likely benign (n=3), and uncertain significance (n=1). Based on the evidence outlined above, the variant was classified as likely benign.

Broad Center for Mendelian Genomics, Broad Institute of MIT and Harvard
Classification: Likely benign for Glycogen storage disease, type II. Last evaluated: 2020-01-22. Review status: criteria provided, single submitter. Criteria: ACMG Guidelines, 2015. Collection method: curation. Allele origin: germline. Inheritance: Autosomal recessive inheritance.
Comment: The c.2481+16G>A variant in GAA has not been previously reported in individuals with Glycogen Storage Disease II but has been reported as a VUS by EGL Genetic Diagnostics and a likely benign variant by GeneDx and Mayo Clinic Genetic Testing Laboratories in ClinVar (Variation ID: 92478). This variant has been identified in 0.367% (413/112458) of European (non-Finnish) chromosomes, including 2 homozygotes, and 0.328% (106/32290) of Latino chromosomes by the Genome Aggregation Database (gnomAD; dbSNP rs41292408). Although this variant has been seen in the general population, its frequency is not high enough to rule out a pathogenic role. Computational prediction tools and conservation analyses suggest that this variant may not impact the protein, though this information is not predictive enough to rule out pathogenicity. However, novel synonymous variants supported by computational evidence without raised suspicion for an impact are likely benign (Richards 2015). In summary, although additional studies are required to fully establish its clinical significance, this variant is likely benign. ACMG/AMP Criteria applied: BP4, BP7 (Richards 2015).

GeneDx
Classification: Likely benign. Last evaluated: 2017-06-13. Review status: criteria provided, single submitter. Criteria: GeneDx Variant Classification (06012015). Collection method: clinical testing. Allele origin: germline. Affected: yes.
Comment: This variant is considered likely benign or benign based on one or more of the following criteria: it is a conservative change, it occurs at a poorly conserved position in the protein, it is predicted to be benign by multiple in silico algorithms, and/or has population frequency not consistent with disease.

PreventionGenetics, part of Exact Sciences
Classification: Likely benign for GAA-related condition. Last evaluated: 2021-05-05. Review status: no assertion criteria provided. Collection method: clinical testing. Allele origin: germline. Not counted in ClinVar's aggregate classification.
Comment: This variant is classified as likely benign based on ACMG/AMP sequence variant interpretation guidelines (Richards et al. 2015 PMID: 25741868, with internal and published modifications).

Mayo Clinic Laboratories, Mayo Clinic
Classification: Likely benign. Last evaluated: 2017-05-16. Review status: no assertion criteria provided. Collection method: clinical testing. Allele origin: unknown. Not counted in ClinVar's aggregate classification.

Clinical Genetics DNA and cytogenetics Diagnostics Lab, Erasmus MC, Erasmus Medical Center
Classification: Likely benign. Review status: no assertion criteria provided. Collection method: clinical testing. Allele origin: germline. Affected: yes. Study: VKGL Data-share Consensus. Not counted in ClinVar's aggregate classification.

Genome Diagnostics Laboratory, University Medical Center Utrecht
Classification: Likely benign. Review status: no assertion criteria provided. Collection method: clinical testing. Allele origin: germline. Affected: yes. Study: VKGL Data-share Consensus. Not counted in ClinVar's aggregate classification.

Laboratory of Diagnostic Genome Analysis, Leiden University Medical Center (LUMC)
Classification: Likely benign. Review status: no assertion criteria provided. Collection method: clinical testing. Allele origin: germline. Affected: yes. Study: VKGL Data-share Consensus. Not counted in ClinVar's aggregate classification.

Eurofins Ntd Llc (ga)
Classification: Uncertain significance. Last evaluated: 2016-08-30. Review status: flagged submission. Criteria: EGL Classification Definitions 2015. Collection method: clinical testing. Allele origin: germline. Observed: 2 variant alleles, 2 heterozygotes. Not counted in ClinVar's aggregate classification.
ClinVar note: Reason: Older and outlier claim with insufficient supporting evidence

Literature cited by the submitters: PubMed 31931849 (cited by Genomenon, Inc and Women's Health and Genetics/Laboratory Corporation of America, LabCorp).